The following is an entry in ClinVar:

NM_004727.3(SLC24A1):c.3141_3145del (p.Leu1047fs)

Gene: SLC24A1 (solute carrier family 24 member 1; plus strand). Cytogenetic location: 15q22.31.
Variant type: Deletion.
Coding change: c.3141_3145del on transcript NM_004727.3 (MANE Select); coding-DNA positions 3141 to 3145, 5 bases deleted (GCTTT; older notation c.3141_3145delGCTTT).
Protein change: p.Leu1047fs; shifts the reading frame from leucine 1047.
Molecular consequence: frameshift variant. On other transcripts: intron variant (1).
Genome position (GRCh38, 1-based): chr15:65,653,920-65,653,924, GCTTT deleted; deleting any 5 consecutive bases within chr15:65,653,917-65,653,924 gives the same sequence; the c. name uses the placement nearest the transcript's 3' end. VCF-style (leftmost placement, unchanged base first): chr15-65653916-TTTTGC-T. GRCh37 (hg19) VCF-style: chr15-65946254-TTTTGC-T.
Other names: c.1122_1126del, p.Leu374fs (NM_001254740.2); c.3051_3055del, p.Leu1017fs (NM_001301031.1); c.3087_3091del, p.Leu1029fs (NM_001301032.1); c.2799_2803delGCTTT, p.Leu933Phefs (NM_001411142.1); c.2996+1112_2996+1116del (NM_001301033.2); short protein forms L1029fs, L1047fs, L374fs, L1017fs.
Identifiers: ClinVar variation 1944294 (VCV001944294.5), dbSNP rs1459535220, ClinGen allele CA618958086.

ClinVar aggregate classification (germline): Uncertain significance (1 of 4 stars; one submission).

Submission:

Labcorp Genetics (formerly Invitae), Labcorp
Classification: Uncertain significance. Last evaluated: 2022-06-01. Review status: criteria provided, single submitter. Criteria: Invitae Variant Classification Sherloc (09022015). Collection method: clinical testing. Allele origin: germline.
Comment: In summary, the available evidence is currently insufficient to determine the role of this variant in disease. Therefore, it has been classified as a Variant of Uncertain Significance. Experimental studies and prediction algorithms are not available or were not evaluated, and the functional significance of this variant is currently unknown. This variant has not been reported in the literature in individuals affected with SLC24A1-related conditions. This variant is present in population databases (no rsID available, gnomAD 0.0009%). This sequence change creates a premature translational stop signal (p.Leu1047Phefs*15) in the SLC24A1 gene. While this is not anticipated to result in nonsense mediated decay, it is expected to disrupt the last 53 amino acid(s) of the SLC24A1 protein.